The following is an entry in ClinVar:

ClinVar aggregate classification (germline): Uncertain significance (1 of 4 stars; one submission).

Conditions:
Cohen syndrome (COH1). Also called: PEPPER SYNDROME; Cutis verticis gyrata, retinitis pigmentosa, and sensorineural deafness. Identifiers: Orphanet 193, MedGen C0265223, MONDO:0008999, OMIM 216550.

Allele frequency attached by ClinVar (database versions not stated): gnomAD exomes below 0.00001 and 0.00001.
gnomAD v4.1: 2 of 1,614,180 alleles (0.00012%); highest among the groups gnomAD compares: African/African-American, 0.0027%; no homozygotes.

Submission:

Labcorp Genetics (formerly Invitae), Labcorp
Classification: Uncertain significance for Cohen syndrome. Last evaluated: 2019-12-30. Review status: criteria provided, single submitter. Criteria: Invitae Variant Classification Sherloc (09022015). Collection method: clinical testing. Allele origin: germline.
Comment: In summary, the available evidence is currently insufficient to determine the role of this variant in disease. Therefore, it has been classified as a Variant of Uncertain Significance. Algorithms developed to predict the effect of missense changes on protein structure and function are either unavailable or do not agree on the potential impact of this missense change (SIFT: "Not Available"; PolyPhen-2: "Benign"; Align-GVGD: "Not Available"). This variant has not been reported in the literature in individuals with VPS13B-related conditions. This variant is not present in population databases (ExAC no frequency). This sequence change replaces isoleucine with phenylalanine at codon 3284 of the VPS13B protein (p.Ile3284Phe). The isoleucine residue is moderately conserved and there is a small physicochemical difference between isoleucine and phenylalanine.

NM_152564.5(VPS13B):c.9775A>T (p.Ile3259Phe)

Gene: VPS13B (vacuolar protein sorting 13 homolog B; plus strand). Cytogenetic location: 8q22.2.
Variant type: single nucleotide variant.
Coding change: c.9775A>T on transcript NM_152564.5 (MANE Select); coding-DNA position 9775, A replaced by T.
Protein change: p.Ile3259Phe; replaces isoleucine 3259 with phenylalanine.
Molecular consequence: missense variant.
Genome position (GRCh38, 1-based): chr8:99,835,571, A>T. VCF-style: chr8-99835571-A-T. GRCh37 (hg19) VCF-style: chr8-100847799-A-T.
Other names: c.9850A>T, p.Ile3284Phe (NM_017890.5); short protein forms I3259F, I3284F.
Identifiers: ClinVar variation 861238 (VCV000861238.8), dbSNP rs1425945549, ClinGen allele CA371783730.
Genomic context (GRCh38, chr8:99,835,571, plus strand): 5'-TCTGCATATGCCTTTTTTAAAATTTCAGATATTCCAAAGTTTGAGGTTTATTGCAAAAAA[A>T]TTCCCTCCGAGTGCTCAATTCATCATGAGCTGTATCATCAGATTTCCAGTTATCCGGACT-3'
Protein context (NP_689777.3, residues 3249-3269): IPKFEVYCKK[Ile3259Phe]PSECSIHHEL